The following is an entry in ClinVar:

ClinVar aggregate classification (germline): Likely benign. Review status: criteria provided, multiple submitters, no conflicts (2 of 4 stars). 2 submissions from 2 submitters: Likely benign (2). Last evaluated 2024-10-31.

Conditions:
EFEMP2-related disorder. Also called: EFEMP2-related condition.
Cutis laxa, autosomal recessive, type 1B (ARCL1B). Also called: EFEMP2-Related Cutis Laxa; CUTIS LAXA, AUTOSOMAL RECESSIVE, TYPE IB. Identifiers: Orphanet 90349, MedGen C3280798, MONDO:0013754, OMIM 614437. Disease mechanism: loss of function.

Allele frequency attached by ClinVar (database versions not stated): gnomAD exomes 0.00001; gnomAD 0.00002; TOPMed 0.00002; ESP Exome Variant Server 0.00008; ExAC 0.00010.
gnomAD v4.1: 10 of 1,551,512 alleles (0.00064%); highest among the groups gnomAD compares: African/African-American, 0.012%; no homozygotes.

Submissions (2):

PreventionGenetics, part of Exact Sciences
Classification: Likely benign for EFEMP2-related condition. Last evaluated: 2024-10-31. Review status: criteria provided, single submitter. Criteria: ACMG Guidelines, 2015. Collection method: clinical testing. Allele origin: germline.
Comment: This variant is classified as likely benign based on ACMG/AMP sequence variant interpretation guidelines (Richards et al. 2015 PMID: 25741868, with internal and published modifications).

Labcorp Genetics (formerly Invitae), Labcorp
Classification: Likely benign for Cutis laxa, autosomal recessive, type 1B. Last evaluated: 2020-09-11. Review status: criteria provided, single submitter. Criteria: Invitae Variant Classification Sherloc (09022015). Collection method: clinical testing. Allele origin: germline.

NM_016938.5(EFEMP2):c.54A>G (p.Leu18=)

Gene: EFEMP2 (EGF-like fibulin extracellular matrix protein 2; minus strand). Cytogenetic location: 11q13.1.
Variant type: single nucleotide variant.
Coding change: c.54A>G on transcript NM_016938.5 (MANE Select); coding-DNA position 54, A replaced by G.
Protein change: p.Leu18=; no amino-acid change (leucine 18 retained).
Molecular consequence: synonymous variant. On other transcripts: non-coding transcript variant (1).
Genome position (GRCh38, 1-based): chr11:65,872,301, T>C on the plus strand (A>G on the coding strand, the complement: EFEMP2 is on the minus strand). VCF-style: chr11-65872301-T-C. GRCh37 (hg19) VCF-style: chr11-65639772-T-C.
Other names: c.54A>G (NM_016938.4).
Identifiers: ClinVar variation 1129316 (VCV001129316.10), dbSNP rs367928701, ClinGen allele CA6110793.